The following is an entry in ClinVar:

NM_016169.4(SUFU):c.71del (p.Pro24fs)

Genes: SUFU (SUFU negative regulator of hedgehog signaling; plus strand), LOC130004614 (ATAC-STARR-seq lymphoblastoid silent region 2764; plus strand). Cytogenetic location: 10q24.32.
Variant type: Deletion.
Coding change: c.71del on transcript NM_016169.4 (MANE Select); coding-DNA position 71, one base deleted (C; older notation c.71delC).
Protein change: p.Pro24fs; shifts the reading frame from proline 24.
Molecular consequence: frameshift variant.
Genome position (GRCh38, 1-based): chr10:102,504,223, C deleted; the last of 7 consecutive C bases (chr10:102,504,217-102,504,223); deleting any one gives the same sequence. VCF-style (leftmost placement, unchanged base first): chr10-102504216-GC-G. GRCh37 (hg19) VCF-style: chr10-104263973-GC-G.
Other names: c.71delC (NM_016169.3); c.71del, p.Pro24fs (NM_001178133.2); short protein forms P24fs.
Identifiers: ClinVar variation 3573 (VCV000003573.17), dbSNP rs587776579, ClinGen allele CA116365.

ClinVar aggregate classification (germline): Pathogenic. Review status: criteria provided, multiple submitters, no conflicts (2 of 4 stars). 6 submissions from 5 submitters: Pathogenic (2). 4 of the submissions do not count toward it. Last evaluated 2025-06-22.

Conditions:
Basal cell nevus syndrome 2 (BCNS2). Also called: NEVOID BASAL CELL CARCINOMA SYNDROME 2. Identifiers: MedGen C5830451, MONDO:0958189, OMIM 620343.
Hereditary cancer-predisposing syndrome. Also called: Neoplastic Syndromes, Hereditary; Hereditary Cancer Syndrome; Tumor predisposition; Hereditary neoplastic syndrome. Identifiers: Orphanet 140162, MedGen C0027672, MeSH D009386, MONDO:0015356.
Medulloblastoma (MDB). Also called: Medulloblastoma, somatic; MEDULLOBLASTOMA PREDISPOSITION SYNDROME. Identifiers: Orphanet 616, MedGen C0025149, MeSH D008527, MONDO:0007959, OMIM 155255, HP:0002885.
Gorlin syndrome. Also called: Nevoid Basal Cell Carcinoma Syndrome; Basal cell nevus syndrome. Identifiers: Orphanet 377, MedGen C0004779, MONDO:0007187.

Submissions (6):

Labcorp Genetics (formerly Invitae), Labcorp
Classification: Pathogenic for Gorlin syndrome; Medulloblastoma. Last evaluated: 2025-06-22. Review status: criteria provided, single submitter. Criteria: Invitae Variant Classification Sherloc (09022015). Collection method: clinical testing. Allele origin: germline.
Comment: This sequence change creates a premature translational stop signal (p.Pro24Argfs*72) in the SUFU gene. It is expected to result in an absent or disrupted protein product. Loss-of-function variants in SUFU are known to be pathogenic (PMID: 22508808, 25403219, 33024317). This variant is not present in population databases (gnomAD no frequency). This premature translational stop signal has been observed in individual(s) with medulloblastoma (PMID: 19833601, 29186568, 29753700). ClinVar contains an entry for this variant (Variation ID: 3573). For these reasons, this variant has been classified as Pathogenic.

Ambry Genetics
Classification: Pathogenic for Hereditary cancer-predisposing syndrome. Last evaluated: 2024-09-26. Review status: criteria provided, single submitter. Criteria: Ambry Variant Classification Scheme 2023. Collection method: clinical testing. Allele origin: germline.
Comment: The c.71delC (p.P24Rfs*72) alteration, located in exon 1 (coding exon 1) of the SUFU gene, consists of a deletion of one nucleotide at position 71, causing a translational frameshift with a predicted alternate stop codon after 72 amino acids. This alteration is expected to result in loss of function by premature protein truncation or nonsense-mediated mRNA decay. This variant was not reported in population-based cohorts in the Genome Aggregation Database (gnomAD). Based on the available evidence, this alteration is classified as pathogenic.

OMIM
Classification: Pathogenic for MEDULLOBLASTOMA. Last evaluated: 2010-02-01. Review status: no assertion criteria provided. Collection method: literature only. Allele origin: germline. Not counted in ClinVar's aggregate classification.

OMIM
Classification: Pathogenic for BASAL CELL NEVUS SYNDROME 2. Last evaluated: 2010-02-01. Review status: no assertion criteria provided. Collection method: literature only. Allele origin: germline. Not counted in ClinVar's aggregate classification.

Genome Diagnostics Laboratory, Amsterdam University Medical Center
Classification: Pathogenic. Review status: no assertion criteria provided. Collection method: clinical testing. Allele origin: germline. Affected: yes. Study: VKGL Data-share Consensus. Not counted in ClinVar's aggregate classification.

Laboratory of Diagnostic Genome Analysis, Leiden University Medical Center (LUMC)
Classification: Pathogenic. Review status: no assertion criteria provided. Collection method: clinical testing. Allele origin: germline. Affected: yes. Study: VKGL Data-share Consensus. Not counted in ClinVar's aggregate classification.

Literature cited by the submitters: PubMed 22508808 (cited by Labcorp Genetics (formerly Invitae), Labcorp); PubMed 25403219 (cited by Labcorp Genetics (formerly Invitae), Labcorp); PubMed 33024317 (cited by Labcorp Genetics (formerly Invitae), Labcorp); PubMed 19833601 (cited by 3 submitters); PubMed 29186568 (cited by Labcorp Genetics (formerly Invitae), Labcorp); PubMed 29753700 (cited by Labcorp Genetics (formerly Invitae), Labcorp); PubMed 34675124 (cited by Ambry Genetics); PubMed 35768194 (cited by Ambry Genetics); PubMed 36825822 (cited by OMIM).